The following is an entry in ClinVar:

NM_002474.3(MYH11):c.4657G>A (p.Asp1553Asn)

Genes: NDE1 (nudE neurodevelopment protein 1; plus strand), MYH11 (myosin heavy chain 11; minus strand). Cytogenetic location: 16p13.11.
Variant type: single nucleotide variant.
Coding change: c.4657G>A on transcript NM_002474.3 (MANE Select); coding-DNA position 4657, G replaced by A.
Protein change: p.Asp1553Asn; replaces aspartic acid 1553 with asparagine.
Molecular consequence: missense variant. On other transcripts: intron variant (2).
Genome position (GRCh38, 1-based): chr16:15,720,973, C>T on the plus strand (G>A on the coding strand, the complement: MYH11 is on the minus strand). VCF-style: chr16-15720973-C-T. GRCh37 (hg19) VCF-style: chr16-15814830-C-T.
Other names: c.4678G>A, p.Asp1560Asn (NM_001040113.2, NM_001040114.2); c.4657G>A, p.Asp1553Asn (NM_022844.3); c.948-3218C>T (NM_001143979.2, NM_017668.3); short protein forms D1553N, D1560N.
Identifiers: ClinVar variation 1171721 (VCV001171721.10), dbSNP rs2151208733, ClinGen allele CA394854245.

ClinVar aggregate classification (germline): Uncertain significance. Review status: criteria provided, multiple submitters, no conflicts (2 of 4 stars). 3 submissions from 3 submitters: Uncertain significance (3). Last evaluated 2024-03-06.

Conditions:
Aortic aneurysm, familial thoracic 4 (AAT4). Also called: AORTIC ANEURYSM/AORTIC DISSECTION AND PATENT DUCTUS ARTERIOSUS. Identifiers: MedGen C1851504, MONDO:0007568, OMIM 132900.
Familial thoracic aortic aneurysm and aortic dissection (TAAD). Also called: Thoracic aortic aneurysms and dissections. Identifiers: Orphanet 91387, MedGen C4707243, MONDO:0019625.

gnomAD v4.1: 2 of 1,614,126 alleles (0.00012%); highest among the groups gnomAD compares: South Asian, 0.0011%; no homozygotes.

Submissions (3):

Color Diagnostics, LLC DBA Color Health
Classification: Uncertain significance for Familial thoracic aortic aneurysm and aortic dissection. Last evaluated: 2024-03-06. Review status: criteria provided, single submitter. Criteria: ACMG Guidelines, 2015. Collection method: clinical testing. Allele origin: germline.
Comment: This missense variant replaces aspartic acid with asparagine at codon 1560 of the MYH11 protein. Computational prediction is inconclusive regarding the impact of this variant on protein structure and function (internally defined REVEL score threshold 0.5 < inconclusive < 0.7, PMID: 27666373). To our knowledge, functional studies have not been reported for this variant. This variant has not been reported in individuals affected with cardiovascular disorders in the literature. This variant has not been identified in the general population by the Genome Aggregation Database (gnomAD). The available evidence is insufficient to determine the role of this variant in disease conclusively. Therefore, this variant is classified as a Variant of Uncertain Significance.

Ambry Genetics
Classification: Uncertain significance for Familial thoracic aortic aneurysm and aortic dissection. Last evaluated: 2023-06-01. Review status: criteria provided, single submitter. Criteria: Ambry Variant Classification Scheme 2023. Collection method: clinical testing. Allele origin: germline.
Comment: The p.D1553N variant (also known as c.4657G>A), located in coding exon 32 of the MYH11 gene, results from a G to A substitution at nucleotide position 4657. The aspartic acid at codon 1553 is replaced by asparagine, an amino acid with highly similar properties. This amino acid position is conserved. In addition, this alteration is predicted to be tolerated by in silico analysis. Since supporting evidence is limited at this time, the clinical significance of this alteration remains unclear.

Labcorp Genetics (formerly Invitae), Labcorp
Classification: Uncertain significance for Aortic aneurysm, familial thoracic 4. Last evaluated: 2022-01-26. Review status: criteria provided, single submitter. Criteria: Invitae Variant Classification Sherloc (09022015). Collection method: clinical testing. Allele origin: germline.
Comment: In summary, the available evidence is currently insufficient to determine the role of this variant in disease. Therefore, it has been classified as a Variant of Uncertain Significance. This variant is not present in population databases (gnomAD no frequency). This sequence change replaces aspartic acid, which is acidic and polar, with asparagine, which is neutral and polar, at codon 1560 of the MYH11 protein (p.Asp1560Asn). This variant has not been reported in the literature in individuals affected with MYH11-related conditions. ClinVar contains an entry for this variant (Variation ID: 1171721). Algorithms developed to predict the effect of missense changes on protein structure and function are either unavailable or do not agree on the potential impact of this missense change (SIFT: "Deleterious"; PolyPhen-2: "Probably Damaging"; Align-GVGD: "Class C0").